The following is an entry in ClinVar:

ClinVar aggregate classification (germline): Uncertain significance. Review status: criteria provided, multiple submitters, no conflicts (2 of 4 stars). 2 submissions from 2 submitters: Uncertain significance (2). Last evaluated 2024-02-22.

Conditions:
Inborn genetic diseases. Identifiers: MedGen C0950123, MeSH D030342.

Allele frequency attached by ClinVar (database versions not stated): ExAC 0.00001; TOPMed 0.00002; gnomAD 0.00003; ESP Exome Variant Server 0.00008; 1000 Genomes Project 30x 0.00016; 1000 Genomes Project 0.00020.

Submissions (2):

Labcorp Genetics (formerly Invitae), Labcorp
Classification: Uncertain significance. Last evaluated: 2024-02-22. Review status: criteria provided, single submitter. Criteria: Invitae Variant Classification Sherloc (09022015). Collection method: clinical testing. Allele origin: germline.
Comment: This sequence change replaces histidine, which is basic and polar, with glutamine, which is neutral and polar, at codon 400 of the DDX59 protein (p.His400Gln). This variant is present in population databases (rs143031313, gnomAD 0.01%). This variant has not been reported in the literature in individuals affected with DDX59-related conditions. ClinVar contains an entry for this variant (Variation ID: 2353964). Advanced modeling of protein sequence and biophysical properties (such as structural, functional, and spatial information, amino acid conservation, physicochemical variation, residue mobility, and thermodynamic stability) performed at Invitae indicates that this missense variant is not expected to disrupt DDX59 protein function with a negative predictive value of 80%. In summary, the available evidence is currently insufficient to determine the role of this variant in disease. Therefore, it has been classified as a Variant of Uncertain Significance.

Ambry Genetics
Classification: Uncertain significance for Inborn genetic diseases. Last evaluated: 2021-09-16. Review status: criteria provided, single submitter. Criteria: Ambry Variant Classification Scheme 2023. Collection method: clinical testing. Allele origin: germline.

NM_001031725.6(DDX59):c.1200T>A (p.His400Gln)

Gene: DDX59 (DEAD-box helicase 59; minus strand). Cytogenetic location: 1q32.1.
Variant type: single nucleotide variant.
Coding change: c.1200T>A on transcript NM_001031725.6 (MANE Select); coding-DNA position 1200, T replaced by A.
Protein change: p.His400Gln; replaces histidine 400 with glutamine.
Molecular consequence: missense variant. On other transcripts: intron variant (3).
Genome position (GRCh38, 1-based): chr1:200,650,539, A>T on the plus strand (T>A on the coding strand, the complement: DDX59 is on the minus strand). VCF-style: chr1-200650539-A-T. GRCh37 (hg19) VCF-style: chr1-200619667-A-T.
Other names: c.1200T>A, p.His400Gln (NM_001320181.2, NM_001349799.3, NM_001349800.3 and 2 more transcripts); c.1063-6022T>A (NM_001349804.2); c.1063-1313T>A (NM_001349803.3); c.973-1313T>A (NM_001320182.1); short protein forms H400Q.
Identifiers: ClinVar variation 2353964 (VCV002353964.4), dbSNP rs143031313, ClinGen allele CA1318335.